The following is an entry in ClinVar:

NM_153717.3(EVC):c.2078G>A (p.Trp693Ter)

Gene: EVC (EvC ciliary complex subunit 1; plus strand). Cytogenetic location: 4p16.2.
Variant type: single nucleotide variant.
Coding change: c.2078G>A on transcript NM_153717.3 (MANE Select); coding-DNA position 2078, G replaced by A.
Protein change: p.Trp693Ter; replaces tryptophan 693 with a stop codon.
Molecular consequence: nonsense.
Genome position (GRCh38, 1-based): chr4:5,797,213, G>A. VCF-style: chr4-5797213-G-A. GRCh37 (hg19) VCF-style: chr4-5798940-G-A.
Other names: c.2078G>A, p.Trp693Ter (NM_001306090.2); short protein forms W693*.
Identifiers: ClinVar variation 1453177 (VCV001453177.9), dbSNP rs1714132239, ClinGen allele CA356144059.

ClinVar aggregate classification (germline): Pathogenic/Likely pathogenic. Review status: criteria provided, multiple submitters, no conflicts (2 of 4 stars). 2 submissions from 2 submitters: Pathogenic (1); Likely pathogenic (1). Last evaluated 2021-11-09.

Conditions:
Ellis-van Creveld syndrome (EVC). Also called: EVC-Related Ellis-van Creveld Syndrome; EVC2-Related Ellis-van Creveld Syndrome; MESOECTODERMAL DYSPLASIA; Chondroectodermal dysplasia. Identifiers: Orphanet 289, MedGen C0013903, MONDO:0009162, OMIM 225500.
Curry-Hall syndrome (WAD). Also called: WEYERS ACRODENTAL DYSOSTOSIS. Identifiers: Orphanet 952, MedGen C0457013, MONDO:0008673, OMIM 193530.

Allele frequency attached by ClinVar (database versions not stated): gnomAD 0.00001.
gnomAD v4.1: 2 of 1,610,772 alleles (0.00012%); highest among the groups gnomAD compares: South Asian, 0.0011%; no homozygotes.

Submissions (2):

Labcorp Genetics (formerly Invitae), Labcorp
Classification: Pathogenic for Curry-Hall syndrome; Ellis-van Creveld syndrome. Last evaluated: 2021-11-09. Review status: criteria provided, single submitter. Criteria: Invitae Variant Classification Sherloc (09022015). Collection method: clinical testing. Allele origin: germline.
Comment: This sequence change creates a premature translational stop signal (p.Trp693*) in the EVC gene. It is expected to result in an absent or disrupted protein product. Loss-of-function variants in EVC are known to be pathogenic (PMID: 23220543). This variant is not present in population databases (gnomAD no frequency). This variant has not been reported in the literature in individuals affected with EVC-related conditions. For these reasons, this variant has been classified as Pathogenic.

Myriad Genetics, Inc.
Classification: Likely pathogenic for Ellis-van Creveld syndrome. Last evaluated: 2021-11-02. Review status: criteria provided, single submitter. Criteria: Myriad Women's Health Autosomal Recessive and X-Linked Classification Criteria (2021). Collection method: clinical testing. Allele origin: unknown.
Comment: NM_153717.2(EVC):c.2078G>A(W693*) is expected to be pathogenic in the context of EVC-related Ellis-van Creveld syndrome. This variant is predicted to lead to an abnormal or absent protein product due to the creation of a premature termination codon in EVC, a gene where loss-of-function variants are known to be pathogenic. Please note: this variant was assessed in the context of healthy population screening.

Literature cited by the submitters: PubMed 23220543 (cited by Labcorp Genetics (formerly Invitae), Labcorp).